The following is an entry in ClinVar:

NM_152564.5(VPS13B):c.2620G>A (p.Gly874Arg)

Gene: VPS13B (vacuolar protein sorting 13 homolog B; plus strand). Cytogenetic location: 8q22.2.
Variant type: single nucleotide variant.
Coding change: c.2620G>A on transcript NM_152564.5 (MANE Select); coding-DNA position 2620, G replaced by A.
Protein change: p.Gly874Arg; replaces glycine 874 with arginine.
Molecular consequence: missense variant.
Genome position (GRCh38, 1-based): chr8:99,274,302, G>A. VCF-style: chr8-99274302-G-A. GRCh37 (hg19) VCF-style: chr8-100286530-G-A.
Other names: c.2620G>A, p.Gly874Arg (NM_017890.5); short protein forms G874R.
Identifiers: ClinVar variation 3636703 (VCV003636703.1).

ClinVar aggregate classification (germline): Uncertain significance (1 of 4 stars; one submission).

Conditions:
Cohen syndrome (COH1). Also called: PEPPER SYNDROME; Cutis verticis gyrata, retinitis pigmentosa, and sensorineural deafness. Identifiers: Orphanet 193, MedGen C0265223, MONDO:0008999, OMIM 216550.

gnomAD v4.1: 6 of 1,614,082 alleles (0.00037%); highest among the groups gnomAD compares: Middle Eastern, 0.016%; no homozygotes.

Submission:

Labcorp Genetics (formerly Invitae), Labcorp
Classification: Uncertain significance for Cohen syndrome. Last evaluated: 2024-02-24. Review status: criteria provided, single submitter. Criteria: Invitae Variant Classification Sherloc (09022015). Collection method: clinical testing. Allele origin: germline.
Comment: This sequence change replaces glycine, which is neutral and non-polar, with arginine, which is basic and polar, at codon 874 of the VPS13B protein (p.Gly874Arg). This variant is present in population databases (rs778980711, gnomAD 0.003%). This variant has not been reported in the literature in individuals affected with VPS13B-related conditions. Advanced modeling of protein sequence and biophysical properties (such as structural, functional, and spatial information, amino acid conservation, physicochemical variation, residue mobility, and thermodynamic stability) has been performed at Invitae for this missense variant, however the output from this modeling did not meet the statistical confidence thresholds required to predict the impact of this variant on VPS13B protein function. In summary, the available evidence is currently insufficient to determine the role of this variant in disease. Therefore, it has been classified as a Variant of Uncertain Significance.